The following is an entry in ClinVar:

NM_007294.4(BRCA1):c.717T>A (p.His239Gln)

Gene: BRCA1 (BRCA1 DNA repair associated; minus strand). Cytogenetic location: 17q21.31.
Variant type: single nucleotide variant.
Coding change: c.717T>A on transcript NM_007294.4 (MANE Select); coding-DNA position 717, T replaced by A.
Protein change: p.His239Gln; replaces histidine 239 with glutamine.
Molecular consequence: missense variant. On other transcripts: 5 prime UTR variant (2), intron variant (13).
Genome position (GRCh38, 1-based): chr17:43,094,814, A>T on the plus strand (T>A on the coding strand, the complement: BRCA1 is on the minus strand). VCF-style: chr17-43094814-A-T. GRCh37 (hg19) VCF-style: chr17-41246831-A-T.
Other names: c.507T>A, p.His169Gln (NM_001407887.1, NM_001407889.1, NM_001408514.1 and 25 more transcripts); c.504T>A, p.His168Gln (NM_001408493.1, NM_001407894.1, NM_001407895.1 and 12 more transcripts); c.-172T>A (NM_001407967.1, NM_001407966.1); c.717T>A, p.His239Gln (NM_001407968.1, NM_001407969.1, NM_001407970.1 and 53 more transcripts); c.453T>A, p.His151Gln (NM_001408496.1, NM_001408497.1, NM_001408498.1 and 15 more transcripts); c.714T>A, p.His238Gln (NM_001407972.1, NM_001407991.1, NM_001407992.1 and 38 more transcripts); c.594T>A, p.His198Gln (NM_001407863.1, NM_001407919.1, NM_001407648.1 and 34 more transcripts); c.513T>A, p.His171Gln (NM_001407874.1, NM_001408475.1, NM_001407875.1); and 20 more; short protein forms H150Q, H168Q, H71Q, H151Q, H171Q, H172Q, H197Q, H239Q.
Identifiers: ClinVar variation 4215095 (VCV004215095.1).
Genomic context (GRCh38, chr17:43,094,814, plus strand): 5'-TTCTGGATGCCTCTCAGCTGCACGCTTCTCAGTGGTGTTCAAATCATTATTACTGGGTTG[A>T]TGATGTTCAGTATTTGTTACATCCGTCTCAGAAAATTCACAAGCAGCTGAAAATATACAA-3'
Protein context (NP_009225.1, residues 229-249): SETDVTNTEH[His239Gln]QPSNNDLNTT

ClinVar aggregate classification (germline): Uncertain significance (1 of 4 stars; one submission).

Conditions:
Hereditary cancer-predisposing syndrome. Also called: Neoplastic Syndromes, Hereditary; Tumor predisposition; Hereditary Cancer Syndrome; Hereditary neoplastic syndrome. Identifiers: Orphanet 140162, MedGen C0027672, MeSH D009386, MONDO:0015356.

Submission:

Ambry Genetics
Classification: Uncertain significance for Hereditary cancer-predisposing syndrome. Last evaluated: 2025-08-04. Review status: criteria provided, single submitter. Criteria: Ambry Variant Classification Scheme 2023. Collection method: clinical testing. Allele origin: germline.
Comment: The p.H239Q variant (also known as c.717T>A), located in coding exon 9 of the BRCA1 gene, results from a T to A substitution at nucleotide position 717. The histidine at codon 239 is replaced by glutamine, an amino acid with highly similar properties. This amino acid position is not well conserved in available vertebrate species. In addition, this alteration is predicted to be deleterious by in silico analysis. Based on the available evidence, the clinical significance of this variant remains unclear.